The following is an entry in ClinVar:

ClinVar aggregate classification (germline): Likely benign (1 of 4 stars; one submission).

gnomAD v4.1: 1 of 1,595,426 alleles (0.000063%); highest among the groups gnomAD compares: Admixed American, 0.0017%; no homozygotes.

Submission:

Women's Health and Genetics/Laboratory Corporation of America, LabCorp
Classification: Likely benign. Last evaluated: 2026-04-27. Review status: criteria provided, single submitter. Criteria: LabCorp Variant Classification Summary - May 2015. Collection method: clinical testing. Allele origin: germline.
Comment: Variant summary: PRKG1 c.592+7C>T alters a nucleotide located at a position not widely known to affect splicing. Consensus agreement among computation tools predict no significant impact on normal splicing. However, these predictions have yet to be confirmed by functional studies. The variant was absent in 251058 control chromosomes. The available data on variant occurrences in the general population are insufficient to allow any conclusion about variant significance. To our knowledge, no occurrence of c.592+7C>T in individuals affected with PRKG1-related conditions and no experimental evidence demonstrating its impact on protein function have been reported. No submitters have cited clinical-significance assessments for this variant to ClinVar. Based on the evidence outlined above, the variant was classified as likely benign.

NM_006258.4(PRKG1):c.592+7C>T

Gene: PRKG1 (protein kinase cGMP-dependent 1; plus strand). Cytogenetic location: 10q21.1.
Variant type: single nucleotide variant.
Coding change: c.592+7C>T on transcript NM_006258.4 (MANE Select); 7 bases into the intron after coding-DNA position 592, C replaced by T.
Molecular consequence: intron variant.
Genome position (GRCh38, 1-based): chr10:51,467,843, C>T. VCF-style: chr10-51467843-C-T. GRCh37 (hg19) VCF-style: chr10-53227603-C-T.
Other names: c.547+7C>T (NM_001098512.3); c.592+7C>T (NM_001374782.1).
Identifiers: ClinVar variation 4849037 (VCV004849037.1).
Genomic context (GRCh38, chr10:51,467,843, plus strand): 5'-TGTTTGGGGAATTGGCTATTCTTTACAACTGTACCCGGACAGCGACCGTCAAGAGTAAGA[C>T]TATTTTCATATTTTTAAAATATTTTCAATGTCTTTTCCCTAGGCCTTTGAGATGTTGTTT-3'